The following is an entry in ClinVar:

ClinVar aggregate classification (germline): Uncertain significance. Review status: criteria provided, multiple submitters, no conflicts (2 of 4 stars). 2 submissions from 2 submitters: Uncertain significance (2). Last evaluated 2024-05-15.

Conditions:
Amyotrophic lateral sclerosis type 1 (ALS1). Also called: AMYOTROPHIC LATERAL SCLEROSIS 1, FAMILIAL. Identifiers: Orphanet 803, MedGen C1862939, MONDO:0007103, OMIM 105400.

Submissions (2):

Athena Diagnostics
Classification: Uncertain significance. Last evaluated: 2024-05-15. Review status: criteria provided, single submitter. Criteria: Athena Diagnostics Criteria. Collection method: clinical testing. Allele origin: unknown.
Comment: Available data are insufficient to determine the clinical significance of the variant at this time. This variant has not been reported in large, multi-ethnic general populations. Assessment of experimental evidence regarding the effect of this variant on protein function is inconclusive. (PMID: 12039658, 23280792) There was not enough information identified regarding segregation with disease in families to be useful in characterizing this variant. (PMID: 12039658, 23280792) Polyphen and MutationTaster predict this amino acid change may be damaging to the protein.

Labcorp Genetics (formerly Invitae), Labcorp
Classification: Uncertain significance for Amyotrophic lateral sclerosis type 1. Last evaluated: 2022-06-20. Review status: criteria provided, single submitter. Criteria: Invitae Variant Classification Sherloc (09022015). Collection method: clinical testing. Allele origin: germline.
Comment: In summary, the available evidence is currently insufficient to determine the role of this variant in disease. Therefore, it has been classified as a Variant of Uncertain Significance. Experimental studies have shown that this missense change affects SOD1 function (PMID: 23280792). Advanced modeling of protein sequence and biophysical properties (such as structural, functional, and spatial information, amino acid conservation, physicochemical variation, residue mobility, and thermodynamic stability) performed at Invitae indicates that this missense variant is expected to disrupt SOD1 protein function. ClinVar contains an entry for this variant (Variation ID: 586636). This variant is also known as Ala140Gly. This missense change has been observed in individual(s) with amyotrophic lateral sclerosis (PMID: 12039658). This variant is not present in population databases (gnomAD no frequency). This sequence change replaces alanine, which is neutral and non-polar, with glycine, which is neutral and non-polar, at codon 141 of the SOD1 protein (p.Ala141Gly).

Literature cited by the submitters: PubMed 23280792 (cited by Athena Diagnostics and Labcorp Genetics (formerly Invitae), Labcorp); PubMed 24312616 (cited by Athena Diagnostics); PubMed 12039658 (cited by Athena Diagnostics and Labcorp Genetics (formerly Invitae), Labcorp); PubMed 35328090 (cited by Athena Diagnostics); PubMed 30701485 (cited by Athena Diagnostics).

NM_000454.5(SOD1):c.422C>G (p.Ala141Gly)

Gene: SOD1 (superoxide dismutase 1; plus strand). Cytogenetic location: 21q22.11.
Variant type: single nucleotide variant.
Coding change: c.422C>G on transcript NM_000454.5 (MANE Select); coding-DNA position 422, C replaced by G.
Protein change: p.Ala141Gly; replaces alanine 141 with glycine.
Molecular consequence: missense variant.
Genome position (GRCh38, 1-based): chr21:31,668,535, C>G. VCF-style: chr21-31668535-C-G. GRCh37 (hg19) VCF-style: chr21-33040848-C-G.
Other names: short protein forms A141G.
Identifiers: ClinVar variation 586636 (VCV000586636.8), dbSNP rs1555836937, ClinGen allele CA410037772.